The following is an entry in ClinVar:

NM_001041.4(SI):c.5212G>T (p.Asp1738Tyr)

Gene: SI (sucrase-isomaltase; minus strand). Cytogenetic location: 3q26.1.
Variant type: single nucleotide variant.
Coding change: c.5212G>T on transcript NM_001041.4 (MANE Select); coding-DNA position 5212, G replaced by T.
Protein change: p.Asp1738Tyr; replaces aspartic acid 1738 with tyrosine.
Molecular consequence: missense variant.
Genome position (GRCh38, 1-based): chr3:164,983,037, C>A on the plus strand (G>T on the coding strand, the complement: SI is on the minus strand). VCF-style: chr3-164983037-C-A. GRCh37 (hg19) VCF-style: chr3-164700825-C-A.
Other names: short protein forms D1738Y.
Identifiers: ClinVar variation 1959230 (VCV001959230.2), dbSNP rs774160456, ClinGen allele CA2689597.

ClinVar aggregate classification (germline): Uncertain significance (1 of 4 stars; one submission).

Allele frequency attached by ClinVar (database versions not stated): gnomAD exomes 0.00001.
gnomAD v4.1: 14 of 1,545,744 alleles (0.00091%); highest among the groups gnomAD compares: Non-Finnish European, 0.0012%; no homozygotes.

Submission:

Labcorp Genetics (formerly Invitae), Labcorp
Classification: Uncertain significance. Last evaluated: 2022-08-17. Review status: criteria provided, single submitter. Criteria: Invitae Variant Classification Sherloc (09022015). Collection method: clinical testing. Allele origin: germline.
Comment: This sequence change replaces aspartic acid, which is acidic and polar, with tyrosine, which is neutral and polar, at codon 1738 of the SI protein (p.Asp1738Tyr). The frequency data for this variant in the population databases is considered unreliable, as metrics indicate poor data quality at this position in the gnomAD database. This variant has not been reported in the literature in individuals affected with SI-related conditions. Advanced modeling of protein sequence and biophysical properties (such as structural, functional, and spatial information, amino acid conservation, physicochemical variation, residue mobility, and thermodynamic stability) performed at Invitae indicates that this missense variant is not expected to disrupt SI protein function. In summary, the available evidence is currently insufficient to determine the role of this variant in disease. Therefore, it has been classified as a Variant of Uncertain Significance.